The following is an entry in ClinVar:

NM_004304.5(ALK):c.1401G>C (p.Glu467Asp)

Gene: ALK (ALK receptor tyrosine kinase; minus strand). Cytogenetic location: 2p23.2.
Variant type: single nucleotide variant.
Coding change: c.1401G>C on transcript NM_004304.5 (MANE Select); coding-DNA position 1401, G replaced by C.
Protein change: p.Glu467Asp; replaces glutamic acid 467 with aspartic acid.
Molecular consequence: missense variant.
Genome position (GRCh38, 1-based): chr2:29,328,363, C>G on the plus strand (G>C on the coding strand, the complement: ALK is on the minus strand). VCF-style: chr2-29328363-C-G. GRCh37 (hg19) VCF-style: chr2-29551229-C-G.
Other names: short protein forms E467D.
Identifiers: ClinVar variation 3285954 (VCV003285954.1).
Genomic context (GRCh38, chr2:29,328,363, plus strand): 5'-GAGCATGGGCTGGGCTCAGGCAGGGTGGGGCAGCCCCATCTACTCACGGCACATCTGGCT[C>G]TCATCTTCTCCCTGGGCACAGTCCTGGTGGAAGTCACAGGCCTGCCCAAGCTGGAGGACT-3'
Protein context (NP_004295.2, residues 457-477): FHQDCAQGED[Glu467Asp]SQMCRKLPVG

ClinVar aggregate classification (germline): Uncertain significance (1 of 4 stars; one submission).

Conditions:
Hereditary cancer-predisposing syndrome. Also called: Tumor predisposition; Hereditary Cancer Syndrome; Hereditary neoplastic syndrome; Neoplastic Syndromes, Hereditary. Identifiers: Orphanet 140162, MedGen C0027672, MeSH D009386, MONDO:0015356.

Submission:

Ambry Genetics
Classification: Uncertain significance for Hereditary cancer-predisposing syndrome. Last evaluated: 2024-04-19. Review status: criteria provided, single submitter. Criteria: Ambry Variant Classification Scheme 2023. Collection method: clinical testing. Allele origin: germline.
Comment: The p.E467D variant (also known as c.1401G>C), located in coding exon 6 of the ALK gene, results from a G to C substitution at nucleotide position 1401. The glutamic acid at codon 467 is replaced by aspartic acid, an amino acid with highly similar properties. This amino acid position is conserved. In addition, the in silico prediction for this alteration is inconclusive. Based on the available evidence, the clinical significance of this variant remains unclear.